The following is an entry in ClinVar:

ClinVar aggregate classification (germline): Uncertain significance (1 of 4 stars; one submission).

Allele frequency attached by ClinVar (database versions not stated): gnomAD exomes 0.00004; TOPMed 0.00004; ESP Exome Variant Server 0.00008; gnomAD 0.00009 and 0.00011; ExAC 0.00010; 1000 Genomes Project 30x 0.00016.
gnomAD v4.1: 73 of 1,603,166 alleles (0.0046%); highest among the groups gnomAD compares: African/African-American, 0.013%; 1 homozygote.

Submission:

Labcorp Genetics (formerly Invitae), Labcorp
Classification: Uncertain significance. Last evaluated: 2023-12-06. Review status: criteria provided, single submitter. Criteria: Invitae Variant Classification Sherloc (09022015). Collection method: clinical testing. Allele origin: germline.
Comment: This sequence change replaces proline, which is neutral and non-polar, with leucine, which is neutral and non-polar, at codon 193 of the CFAP410 protein (p.Pro193Leu). This variant is present in population databases (rs112436478, gnomAD 0.01%). This variant has not been reported in the literature in individuals affected with CFAP410-related conditions. ClinVar contains an entry for this variant (Variation ID: 935452). Advanced modeling of protein sequence and biophysical properties (such as structural, functional, and spatial information, amino acid conservation, physicochemical variation, residue mobility, and thermodynamic stability) performed at Invitae indicates that this missense variant is not expected to disrupt CFAP410 protein function with a negative predictive value of 80%. In summary, the available evidence is currently insufficient to determine the role of this variant in disease. Therefore, it has been classified as a Variant of Uncertain Significance.

NM_004928.3(CFAP410):c.578C>T (p.Pro193Leu)

Gene: CFAP410 (cilia and flagella associated protein 410; minus strand). Cytogenetic location: 21q22.3.
Variant type: single nucleotide variant.
Coding change: c.578C>T on transcript NM_004928.3 (MANE Select); coding-DNA position 578, C replaced by T.
Protein change: p.Pro193Leu; replaces proline 193 with leucine.
Molecular consequence: missense variant.
Genome position (GRCh38, 1-based): chr21:44,330,887, G>A on the plus strand (C>T on the coding strand, the complement: CFAP410 is on the minus strand). VCF-style: chr21-44330887-G-A. GRCh37 (hg19) VCF-style: chr21-45750770-G-A.
Other names: c.575C>T, p.Pro192Leu (NM_001271440.2, NM_001271441.2); c.452C>T, p.Pro151Leu (NM_001271442.1); short protein forms P193L, P192L, P151L.
Identifiers: ClinVar variation 935452 (VCV000935452.8), dbSNP rs112436478, ClinGen allele CA10053597.
Genomic context (GRCh38, chr21:44,330,887, plus strand): 5'-CCCCTGTGGCTGCTCGAGGCATCCCTGGCTGAGAGGGAAGGAAACTGGCCCCGGGAAGGC[G>A]GCTTCAGGCCACGTTCATCCTGGGCGCCGCTGCTGAGAGGGAGACAAAGGCGTGTGAGGG-3'
Protein context (NP_004919.1, residues 183-203): SGAQDERGLK[Pro193Leu]PSRGQFPSLS